The following is an entry in ClinVar:

NM_003183.6(ADAM17):c.1723G>C (p.Asp575His)

Genes: ADAM17 (ADAM metallopeptidase domain 17; minus strand), IAH1 (isoamyl acetate hydrolyzing esterase 1 (putative); plus strand). Cytogenetic location: 2p25.1.
Variant type: single nucleotide variant.
Coding change: c.1723G>C on transcript NM_003183.6 (MANE Select); coding-DNA position 1723, G replaced by C.
Protein change: p.Asp575His; replaces aspartic acid 575 with histidine.
Molecular consequence: missense variant.
Genome position (GRCh38, 1-based): chr2:9,497,174, C>G on the plus strand (G>C on the coding strand, the complement: ADAM17 is on the minus strand). VCF-style: chr2-9497174-C-G. GRCh37 (hg19) VCF-style: chr2-9637303-C-G.
Other names: c.1063G>C, p.Asp355His (NM_001382777.1); c.826G>C, p.Asp276His (NM_001382778.1); short protein forms D575H, D355H, D276H.
Identifiers: ClinVar variation 950363 (VCV000950363.5), dbSNP rs767693528, ClinGen allele CA1523429.

ClinVar aggregate classification (germline): Uncertain significance (1 of 4 stars; one submission).

Conditions:
Inflammatory skin and bowel disease, neonatal, 1. Identifiers: Orphanet 294023, MedGen C3280501, MONDO:0013693, OMIM 614328.

Allele frequency attached by ClinVar (database versions not stated): TOPMed below 0.00001; ExAC 0.00001; gnomAD exomes 0.00002.
gnomAD v4.1: 4 of 1,614,234 alleles (0.00025%); highest among the groups gnomAD compares: Non-Finnish European, 0.00025%; no homozygotes.

Submission:

Labcorp Genetics (formerly Invitae), Labcorp
Classification: Uncertain significance for Inflammatory skin and bowel disease, neonatal, 1. Last evaluated: 2021-10-30. Review status: criteria provided, single submitter. Criteria: Invitae Variant Classification Sherloc (09022015). Collection method: clinical testing. Allele origin: germline.
Comment: In summary, the available evidence is currently insufficient to determine the role of this variant in disease. Therefore, it has been classified as a Variant of Uncertain Significance. Algorithms developed to predict the effect of missense changes on protein structure and function are either unavailable or do not agree on the potential impact of this missense change (SIFT: "Not Available"; PolyPhen-2: "Benign"; Align-GVGD: "Not Available"). ClinVar contains an entry for this variant (Variation ID: 950363). This variant has not been reported in the literature in individuals affected with ADAM17-related conditions. This variant is present in population databases (rs767693528, gnomAD 0.003%). This sequence change replaces aspartic acid, which is acidic and polar, with histidine, which is basic and polar, at codon 575 of the ADAM17 protein (p.Asp575His).